The following is an entry in ClinVar:

NM_031935.3(HMCN1):c.10976G>C (p.Gly3659Ala)

Gene: HMCN1 (hemicentin 1; plus strand). Cytogenetic location: 1q31.1.
Variant type: single nucleotide variant.
Coding change: c.10976G>C on transcript NM_031935.3 (MANE Select); coding-DNA position 10976, G replaced by C.
Protein change: p.Gly3659Ala; replaces glycine 3659 with alanine.
Molecular consequence: missense variant.
Genome position (GRCh38, 1-based): chr1:186,108,584, G>C. VCF-style: chr1-186108584-G-C. GRCh37 (hg19) VCF-style: chr1-186077716-G-C.
Other names: short protein forms G3659A.
Identifiers: ClinVar variation 1991890 (VCV001991890.4), dbSNP rs1289117956, ClinGen allele CA343938003.
Genomic context (GRCh38, chr1:186,108,584, plus strand): 5'-TGACATTGGAATGCAAGTCAGATGCAGTGCCCCCACCTGTAATTACTTGGCTCAGAAATG[G>C]AGAACGGTTACAGGTAAATTTTTTGATAAGCTCCACAAATTCCTTTTTGAGATGAAAAAA-3'
Protein context (NP_114141.2, residues 3649-3669): PPPVITWLRN[Gly3659Ala]ERLQATPRVR

ClinVar aggregate classification (germline): Uncertain significance (1 of 4 stars; one submission).

gnomAD v4.1: 6 of 1,613,966 alleles (0.00037%); highest among the groups gnomAD compares: Admixed American, 0.01%; no homozygotes.

Submission:

Labcorp Genetics (formerly Invitae), Labcorp
Classification: Uncertain significance. Last evaluated: 2025-04-04. Review status: criteria provided, single submitter. Criteria: Invitae Variant Classification Sherloc (09022015). Collection method: clinical testing. Allele origin: germline.
Comment: This sequence change replaces glycine, which is neutral and non-polar, with alanine, which is neutral and non-polar, at codon 3659 of the HMCN1 protein (p.Gly3659Ala). This variant is present in population databases (no rsID available, gnomAD 0.1%). This variant has not been reported in the literature in individuals affected with HMCN1-related conditions. ClinVar contains an entry for this variant (Variation ID: 1991890). An algorithm developed to predict the effect of missense changes on protein structure and function (PolyPhen-2) suggests that this variant is likely to be disruptive. In summary, the available evidence is currently insufficient to determine the role of this variant in disease. Therefore, it has been classified as a Variant of Uncertain Significance.